The following is an entry in ClinVar:

NM_015450.3(POT1):c.101C>T (p.Pro34Leu)

Gene: POT1 (protection of telomeres 1; minus strand). Cytogenetic location: 7q31.33.
Variant type: single nucleotide variant.
Coding change: c.101C>T on transcript NM_015450.3 (MANE Select); coding-DNA position 101, C replaced by T.
Protein change: p.Pro34Leu; replaces proline 34 with leucine.
Molecular consequence: missense variant. On other transcripts: 5 prime UTR variant (1), non-coding transcript variant (3).
Genome position (GRCh38, 1-based): chr7:124,892,289, G>A on the plus strand (C>T on the coding strand, the complement: POT1 is on the minus strand). VCF-style: chr7-124892289-G-A. GRCh37 (hg19) VCF-style: chr7-124532343-G-A.
Other names: c.-162C>T (NM_001042594.2); short protein forms P34L.
Identifiers: ClinVar variation 1697441 (VCV001697441.10), dbSNP rs1796390766, ClinGen allele CA369066016.

ClinVar aggregate classification (germline): Uncertain significance. Review status: criteria provided, multiple submitters, no conflicts (2 of 4 stars). 2 submissions from 2 submitters: Uncertain significance (2). Last evaluated 2025-03-04.

Conditions:
Tumor predisposition syndrome 3 (TPDS3). Also called: Glioma susceptibility 9; LONG TELOMERE SYNDROME, POT1-RELATED; POT1 Tumor Predisposition; Melanoma, cutaneous malignant, susceptibility to, 10. Identifiers: Orphanet 618, MedGen C4014476, MONDO:0014368, OMIM 615848.

Submissions (2):

Center for Genomic Medicine, Rigshospitalet, Copenhagen University Hospital
Classification: Uncertain significance. Last evaluated: 2025-03-04. Review status: criteria provided, single submitter. Criteria: ACMG Guidelines, 2015. Collection method: clinical testing. Allele origin: germline.

Labcorp Genetics (formerly Invitae), Labcorp
Classification: Uncertain significance for Tumor predisposition syndrome 3. Last evaluated: 2024-02-08. Review status: criteria provided, single submitter. Criteria: Invitae Variant Classification Sherloc (09022015). Collection method: clinical testing. Allele origin: germline.
Comment: This sequence change replaces proline, which is neutral and non-polar, with leucine, which is neutral and non-polar, at codon 34 of the POT1 protein (p.Pro34Leu). This variant is not present in population databases (gnomAD no frequency). This variant has not been reported in the literature in individuals affected with POT1-related conditions. ClinVar contains an entry for this variant (Variation ID: 1697441). Advanced modeling of protein sequence and biophysical properties (such as structural, functional, and spatial information, amino acid conservation, physicochemical variation, residue mobility, and thermodynamic stability) performed at Invitae indicates that this missense variant is not expected to disrupt POT1 protein function with a negative predictive value of 80%. In summary, the available evidence is currently insufficient to determine the role of this variant in disease. Therefore, it has been classified as a Variant of Uncertain Significance.